The following is an entry in ClinVar:

ClinVar aggregate classification (germline): Likely benign (0 of 4 stars; one submission).

Conditions:
GAN-related disorder. Also called: GAN-related condition.

Allele frequency attached by ClinVar (database versions not stated): gnomAD exomes below 0.00001; gnomAD 0.00001.
gnomAD v4.1: 2 of 1,613,592 alleles (0.00012%); highest among the groups gnomAD compares: Admixed American, 0.0017%; no homozygotes.

Submission:

PreventionGenetics, part of Exact Sciences
Classification: Likely benign for GAN-related condition. Last evaluated: 2019-08-09. Review status: no assertion criteria provided. Collection method: clinical testing. Allele origin: germline.
Comment: This variant is classified as likely benign based on ACMG/AMP sequence variant interpretation guidelines (Richards et al. 2015 PMID: 25741868, with internal and published modifications).

NM_022041.4(GAN):c.1314A>G (p.Val438=)

Gene: GAN (gigaxonin; plus strand). Cytogenetic location: 16q23.2.
Variant type: single nucleotide variant.
Coding change: c.1314A>G on transcript NM_022041.4 (MANE Select); coding-DNA position 1314, A replaced by G.
Protein change: p.Val438=; no amino-acid change (valine 438 retained).
Molecular consequence: synonymous variant.
Genome position (GRCh38, 1-based): chr16:81,365,051, A>G. VCF-style: chr16-81365051-A-G. GRCh37 (hg19) VCF-style: chr16-81398656-A-G.
Other names: c.675A>G, p.Val225= (NM_001377486.1).
Identifiers: ClinVar variation 3035684 (VCV003035684.2), dbSNP rs1267654719, ClinGen allele CA496699361.